The following is an entry in ClinVar:

NM_000535.7(PMS2):c.2552G>A (p.Arg851Lys)

Gene: PMS2 (PMS1 homolog 2, mismatch repair system component; minus strand). Cytogenetic location: 7p22.1.
Variant type: single nucleotide variant.
Coding change: c.2552G>A on transcript NM_000535.7 (MANE Select); coding-DNA position 2552, G replaced by A.
Protein change: p.Arg851Lys; replaces arginine 851 with lysine.
Molecular consequence: missense variant. On other transcripts: non-coding transcript variant (1).
Genome position (GRCh38, 1-based): chr7:5,973,436, C>T on the plus strand (G>A on the coding strand, the complement: PMS2 is on the minus strand). VCF-style: chr7-5973436-C-T. GRCh37 (hg19) VCF-style: chr7-6013067-C-T.
Other names: c.2147G>A, p.Arg716Lys (NM_001018040.1, NM_001322003.2, NM_001322004.2 and 12 more transcripts); c.2396G>A, p.Arg799Lys (NM_001322006.2); c.2234G>A, p.Arg745Lys (NM_001322007.2, NM_001322008.2, NM_001406883.1); c.2180G>A, p.Arg727Lys (NM_001322009.2, NM_001406887.1, NM_001406888.1); c.1991G>A, p.Arg664Lys (NM_001322010.2, NM_001406906.1, NM_001406907.1); c.1619G>A, p.Arg540Lys (NM_001322011.2, NM_001322012.2); c.1979G>A, p.Arg660Lys (NM_001322013.2, NM_001406908.1, NM_001406909.1); c.2585G>A, p.Arg862Lys (NM_001322014.2); and 20 more; short protein forms R612K, R660K, R716K, R729K, R799K, R810K, R859K, R913K.
Identifiers: ClinVar variation 2193506 (VCV002193506.5), dbSNP rs2128657167, ClinGen allele CA366734810.

ClinVar aggregate classification (germline): Uncertain significance. Review status: criteria provided, multiple submitters, no conflicts (2 of 4 stars). 2 submissions from 2 submitters: Uncertain significance (2). Last evaluated 2025-05-15.

Conditions:
Hereditary nonpolyposis colorectal neoplasms. Identifiers: MedGen C0009405, MeSH D003123.
Hereditary cancer-predisposing syndrome. Also called: Hereditary neoplastic syndrome; Neoplastic Syndromes, Hereditary; Hereditary Cancer Syndrome; Tumor predisposition. Identifiers: Orphanet 140162, MedGen C0027672, MeSH D009386, MONDO:0015356.

Submissions (2):

Ambry Genetics
Classification: Uncertain significance for Hereditary cancer-predisposing syndrome. Last evaluated: 2025-05-15. Review status: criteria provided, single submitter. Criteria: Ambry Variant Classification Scheme 2023. Collection method: clinical testing. Allele origin: germline.
Comment: The p.R851K variant (also known as c.2552G>A), located in coding exon 15 of the PMS2 gene, results from a G to A substitution at nucleotide position 2552. The arginine at codon 851 is replaced by lysine, an amino acid with highly similar properties. This amino acid position is conserved. In addition, this alteration is predicted to be deleterious by in silico analysis. Based on the available evidence, the clinical significance of this variant remains unclear.

Labcorp Genetics (formerly Invitae), Labcorp
Classification: Uncertain significance for Hereditary nonpolyposis colorectal neoplasms. Last evaluated: 2024-04-15. Review status: criteria provided, single submitter. Criteria: Invitae Variant Classification Sherloc (09022015). Collection method: clinical testing. Allele origin: germline.
Comment: This sequence change replaces arginine, which is basic and polar, with lysine, which is basic and polar, at codon 851 of the PMS2 protein (p.Arg851Lys). The frequency data for this variant in the population databases (gnomAD) is considered unreliable due to the presence of homologous sequence, such as pseudogenes or paralogs, in the genome. This variant has not been reported in the literature in individuals affected with PMS2-related conditions. ClinVar contains an entry for this variant (Variation ID: 2193506). Advanced modeling of protein sequence and biophysical properties (such as structural, functional, and spatial information, amino acid conservation, physicochemical variation, residue mobility, and thermodynamic stability) performed at Invitae indicates that this missense variant is expected to disrupt PMS2 protein function with a positive predictive value of 80%. In summary, the available evidence is currently insufficient to determine the role of this variant in disease. Therefore, it has been classified as a Variant of Uncertain Significance.